The following is an entry in ClinVar:

NM_007294.4(BRCA1):c.2305A>G (p.Ile769Val)

Gene: BRCA1 (BRCA1 DNA repair associated; minus strand). Cytogenetic location: 17q21.31.
Variant type: single nucleotide variant.
Coding change: c.2305A>G on transcript NM_007294.4 (MANE Select); coding-DNA position 2305, A replaced by G.
Protein change: p.Ile769Val; replaces isoleucine 769 with valine.
Molecular consequence: missense variant. On other transcripts: intron variant (137).
Genome position (GRCh38, 1-based): chr17:43,093,226, T>C on the plus strand (A>G on the coding strand, the complement: BRCA1 is on the minus strand). VCF-style: chr17-43093226-T-C. GRCh37 (hg19) VCF-style: chr17-41245243-T-C.
Other names: c.2182A>G, p.Ile728Val (NM_001407674.1, NM_001407675.1, NM_001407676.1 and 19 more transcripts); c.2302A>G, p.Ile768Val (NM_001407633.1, NM_001407634.1, NM_001407635.1 and 22 more transcripts); c.2305A>G, p.Ile769Val (NM_001407639.1, NM_001407640.1, NM_001407641.1 and 30 more transcripts); c.2227A>G, p.Ile743Val (NM_001407655.1, NM_001407656.1, NM_001407657.1 and 4 more transcripts); c.2224A>G, p.Ile742Val (NM_001407659.1, NM_001407660.1, NM_001407661.1 and 1 more transcripts); c.2164A>G, p.Ile722Val (NM_001407694.1, NM_001407695.1, NM_001407696.1 and 29 more transcripts); c.2161A>G, p.Ile721Val (NM_001407740.1, NM_001407741.1, NM_001407742.1 and 20 more transcripts); c.2101A>G, p.Ile701Val (NM_001407875.1, NM_001407874.1); and 41 more; short protein forms I641V, I642V, I658V, I681V, I698V, I721V, I768V, I473V.
Identifiers: ClinVar variation 4842657 (VCV004842657.1).

ClinVar aggregate classification (germline): Uncertain significance (1 of 4 stars; one submission).

Conditions:
Hereditary cancer-predisposing syndrome. Also called: Neoplastic Syndromes, Hereditary; Tumor predisposition; Hereditary Cancer Syndrome; Hereditary neoplastic syndrome. Identifiers: Orphanet 140162, MedGen C0027672, MeSH D009386, MONDO:0015356.

Submission:

Ambry Genetics
Classification: Uncertain significance for Hereditary cancer-predisposing syndrome. Last evaluated: 2025-12-29. Review status: criteria provided, single submitter. Criteria: Ambry Variant Classification Scheme 2023. Collection method: clinical testing. Allele origin: germline.
Comment: The p.I769V variant (also known as c.2305A>G), located in coding exon 9 of the BRCA1 gene, results from an A to G substitution at nucleotide position 2305. The isoleucine at codon 769 is replaced by valine, an amino acid with highly similar properties. This amino acid position is not well conserved in available vertebrate species. In addition, this alteration is predicted to be tolerated by in silico analysis. Based on the available evidence, the clinical significance of this variant remains unclear.